The following is an entry in ClinVar:

ClinVar aggregate classification (germline): Uncertain significance (1 of 4 stars; one submission).

Conditions:
FITM2-related disorder. Also called: FITM2-related condition.

gnomAD v4.1: 68 of 1,613,960 alleles (0.0042%); highest among the groups gnomAD compares: Middle Eastern, 0.016%; no homozygotes.

Submission:

PreventionGenetics, part of Exact Sciences
Classification: Uncertain significance for FITM2-related condition. Last evaluated: 2026-02-02. Review status: criteria provided, single submitter. Criteria: ACMG Guidelines, 2015. Collection method: clinical testing. Allele origin: germline.
Comment: The FITM2 c.340A>G variant is predicted to result in the amino acid substitution p.Ile114Val. To our knowledge, this variant has not been reported in the literature. This variant is reported in 0.0062% of alleles in individuals of European (Non-Finnish) descent in gnomAD. At this time, the clinical significance of this variant is uncertain due to the absence of conclusive functional and genetic evidence.

NM_001080472.4(FITM2):c.340A>G (p.Ile114Val)

Gene: FITM2 (fat storage inducing transmembrane protein 2; minus strand). Cytogenetic location: 20q13.12.
Variant type: single nucleotide variant.
Coding change: c.340A>G on transcript NM_001080472.4 (MANE Select); coding-DNA position 340, A replaced by G.
Protein change: p.Ile114Val; replaces isoleucine 114 with valine.
Molecular consequence: missense variant.
Genome position (GRCh38, 1-based): chr20:44,307,074, T>C on the plus strand (A>G on the coding strand, the complement: FITM2 is on the minus strand). VCF-style: chr20-44307074-T-C. GRCh37 (hg19) VCF-style: chr20-42935714-T-C.
Other names: short protein forms I114V.
Identifiers: ClinVar variation 4979317 (VCV004979317.1).
Genomic context (GRCh38, chr20:44,307,074, plus strand): 5'-GTTCCTTTCTGACCCCCTCCAGGGCTGGGGACTGGTAGCAGCTGCCCGTGTAGTGTTCGA[T>C]GTTGGAGAAGATGGAGGTGCAGATGTACCAGATGGCCGTGCCCACAAGCAGGGTGCTCAG-3'
Protein context (NP_001073941.1, residues 104-124): WYICTSIFSN[Ile114Val]EHYTGSCYQS